The following is an entry in ClinVar:

NM_001009944.3(PKD1):c.2059_2061del (p.Leu687del)

Gene: PKD1 (polycystin 1, transient receptor potential channel interacting; minus strand). Cytogenetic location: 16p13.3.
Variant type: Deletion.
Coding change: c.2059_2061del on transcript NM_001009944.3 (MANE Select); coding-DNA positions 2059 to 2061, 3 bases deleted (CTC; older notation c.2059_2061delCTC).
Protein change: p.Leu687del; deletes leucine 687.
Molecular consequence: inframe deletion. On other transcripts: inframe indel (1).
Genome position (GRCh38, 1-based): chr16:2,115,414-2,115,416, GAG deleted on the plus strand (CTC on the coding strand, the reverse complement: PKD1 is on the minus strand); deleting any 3 consecutive bases within chr16:2,115,414-2,115,418 gives the same sequence; the c. name uses the placement nearest the transcript's 3' end. VCF-style (leftmost placement, unchanged base first): chr16-2115413-AGAG-A. GRCh37 (hg19) VCF-style: chr16-2165414-AGAG-A.
Other names: c.2059_2061del, p.Leu687del (NM_000296.4); c.2057_2059delTCC, p.Leu687del (NM_001009944.2); short protein forms L687del.
Identifiers: ClinVar variation 1801930 (VCV001801930.1), dbSNP rs2544860380, ClinGen allele CA2580091017.

ClinVar aggregate classification (germline): Uncertain significance (1 of 4 stars; one submission).

Submission:

GeneDx
Classification: Uncertain significance. Last evaluated: 2022-05-31. Review status: criteria provided, single submitter. Criteria: GeneDx Variant Classification Process June 2021. Collection method: clinical testing. Allele origin: germline. Affected: yes.
Comment: In-frame deletion of 1 amino acids in a non-repeat region; Not observed at significant frequency in large population cohorts (gnomAD); In silico analysis supports a deleterious effect on protein structure/function; Has not been previously published as pathogenic or benign to our knowledge